The following is an entry in ClinVar:

ClinVar aggregate classification (germline): Uncertain significance. Review status: reviewed by expert panel (3 of 4 stars). 7 submissions from 7 submitters: Uncertain significance (1). 6 of the submissions do not count toward it. Last evaluated 2025-08-01.

Conditions:
RYR1-related disorder. Also called: RYR1-related condition; RYR1-related disorders. Identifiers: MedGen CN239331.
Malignant hyperthermia of anesthesia. Also called: Anesthesic-triggered malignant hyperthermia. Identifiers: Orphanet 423, MedGen C0024591, MONDO:0018493, HP:0034733.
Malignant hyperthermia, susceptibility to, 1 (MHS1). Also called: Anesthesia related hyperthermia; Malignant hyperpyrexia; Fulminating hyperpyrexia; Pharmacogenic myopathy; Malignant hyperthermia suceptibility 1; RYR1-Related Malignant Hyperthermia Susceptibility. Identifiers: Orphanet 423, MedGen C2930980, MONDO:0007783, OMIM 145600.

Allele frequency attached by ClinVar (database versions not stated): TOPMed 0.00001; ExAC 0.00002; gnomAD exomes 0.00002.
gnomAD v4.1: 30 of 1,612,738 alleles (0.0019%); highest among the groups gnomAD compares: Non-Finnish European, 0.0023%; no homozygotes.

Submissions (7):

ClinGen Malignant Hyperthermia Susceptibility Variant Curation Expert Panel, ClinGen
Classification: Uncertain significance for Malignant hyperthermia of anesthesia. Last evaluated: 2025-08-01. Review status: reviewed by expert panel. Criteria: ClinGen MHS ACMG Specifications V2. Collection method: curation. Allele origin: germline. Inheritance: Autosomal dominant inheritance.
Comment: This pathogenicity assessment is relevant only for malignant hyperthermia susceptibility (MHS) inherited in an autosomal dominant pattern. Variants in RYR1 can also cause other myopathies inherited in an autosomal dominant pattern or in an autosomal recessive pattern. Some of these disorders may predispose individuals to malignant hyperthermia. RYR1 variants may also contribute to a malignant hyperthermia reaction in combination with other genetic and non-genetic factors and the clinician needs to consider such factors in making management decisions. This sequence variant predicts a substitution of glutamic acid with lysine at codon 209 of the RYR1 protein, p.(Glu209Lys). The maximum allele frequency for this variant among the six major gnomAD populations is EAS: 0.000062, a frequency consistent with pathogenicity for MHS. This variant has been reported in an individual with a personal or family history of an MH episode and a positive in vitro contracture test (IVCT) or caffeine halothane contracture test (CHCT) result (if the proband was unavailable for testing, a positive diagnostic test result in a mutation-positive relative was counted), however, this individual also carried a pathogenic variant in RYR1 (p.Arg2336His, in cis) which precludes the use of PS4 (PMID:21455645). Additionally, the presence of a pathogenic variant in cis is considered supporting evidence for benign status, BP2. No functional studies were identified for this variant. This variant resides in a region of RYR1 considered to be a hotspot for pathogenic variants that contribute to MHS, PM1 (PMID: 21118704). A REVEL score of 0.711 supports neither a pathogenic nor a benign status for this variant. This variant has been classified as a Variant of Unknown Significance. Criteria implemented: PM1, BP2.

Women's Health and Genetics/Laboratory Corporation of America, LabCorp
Classification: Uncertain significance. Last evaluated: 2025-10-10. Review status: criteria provided, single submitter. Criteria: LabCorp Variant Classification Summary - May 2015. Collection method: clinical testing. Allele origin: germline. Not counted in ClinVar's aggregate classification.
Comment: Variant summary: RYR1 c.625G>A (p.Glu209Lys) results in a conservative amino acid change in the encoded protein sequence. Algorithms developed to predict the effect of missense changes on protein structure and function are either unavailable or do not agree on the potential impact of this missense change. The variant allele was found at a frequency of 2e-05 in 248998 control chromosomes. The available data on variant occurrences in the general population are insufficient to allow any conclusion about variant significance. c.625G>A has been observed in individual(s) affected with Malignant Hyperthermia Susceptibility (example: Kraeva_2011). These report(s) do not provide unequivocal conclusions about association of the variant with Malignant Hyperthermia Susceptibility. To our knowledge, no experimental evidence demonstrating an impact on protein function has been reported. The following publication has been ascertained in the context of this evaluation (PMID: 21455645). ClinVar contains an entry for this variant (Variation ID: 478249). Based on the evidence outlined above, the variant was classified as uncertain significance.

Revvity Omics, Revvity
Classification: Uncertain significance. Last evaluated: 2025-04-14. Review status: criteria provided, single submitter. Criteria: ACMG Guidelines, 2015. Collection method: clinical testing. Allele origin: germline. Not counted in ClinVar's aggregate classification.

All of Us Research Program, National Institutes of Health
Classification: Uncertain significance for Malignant hyperthermia, susceptibility to, 1. Last evaluated: 2024-05-30. Review status: criteria provided, single submitter. Criteria: ACMG Guidelines, 2015. Collection method: clinical testing. Allele origin: germline. Inheritance: Autosomal dominant inheritance. Observed: 4 variant alleles, 4 heterozygotes. Not counted in ClinVar's aggregate classification.
Comment: This missense variant replaces glutamic acid with lysine at codon 209 of the RYR1 protein. Computational prediction suggests that this variant may have deleterious impact on protein structure and function (internally defined REVEL score threshold >= 0.7, PMID: 27666373). To our knowledge, functional studies have not been reported for this variant. This variant has been reported in an individual affected with malignant hyperthermia susceptibility, this individual also carried a known pathogenic variant in the RYR1 gene that could explain the observed phenotype (PMID: 21455645). This variant has been identified in 5/248998 chromosomes in the general population by the Genome Aggregation Database (gnomAD). The available evidence is insufficient to determine the role of this variant in disease conclusively. Therefore, this variant is classified as a Variant of Uncertain Significance.

This study involves interpretation of variants in research participants for the purpose of population health screening. Participant phenotype was not available at the time of variant classification. Additional details can be found in publication PMID: 35346344, PMCID: PMC8962531

Color Diagnostics, LLC DBA Color Health
Classification: Uncertain significance for Malignant hyperthermia, susceptibility to, 1. Last evaluated: 2024-04-05. Review status: criteria provided, single submitter. Criteria: ACMG Guidelines, 2015. Collection method: clinical testing. Allele origin: germline. Not counted in ClinVar's aggregate classification.
Comment: This missense variant replaces glutamic acid with lysine at codon 209 of the RYR1 protein. Computational prediction tool is inconclusive regarding the impact of this variant on protein structure and function. To our knowledge, functional studies have not been reported for this variant. This variant has been reported in an individual affected with malignant hyperthermia susceptibility, this individual also carried a known pathogenic variant in the RYR1 gene that could explain the observed phenotype (PMID: 21455645). This variant has been identified in 5/248998 chromosomes in the general population by the Genome Aggregation Database (gnomAD). The available evidence is insufficient to determine the role of this variant in disease conclusively. Therefore, this variant is classified as a Variant of Uncertain Significance.

Labcorp Genetics (formerly Invitae), Labcorp
Classification: Uncertain significance for RYR1-related disorder. Last evaluated: 2024-02-18. Review status: criteria provided, single submitter. Criteria: Invitae Variant Classification Sherloc (09022015). Collection method: clinical testing. Allele origin: germline. Not counted in ClinVar's aggregate classification.
Comment: This sequence change replaces glutamic acid, which is acidic and polar, with lysine, which is basic and polar, at codon 209 of the RYR1 protein (p.Glu209Lys). This variant is present in population databases (rs771058055, gnomAD 0.007%). This missense change has been observed to co-occur in individuals with a different variant in RYR1 that has been determined to be pathogenic (PMID: 21455645), but the significance of this finding is unclear. ClinVar contains an entry for this variant (Variation ID: 478249). Advanced modeling of protein sequence and biophysical properties (such as structural, functional, and spatial information, amino acid conservation, physicochemical variation, residue mobility, and thermodynamic stability) has been performed at Invitae for this missense variant, however the output from this modeling did not meet the statistical confidence thresholds required to predict the impact of this variant on RYR1 protein function. In summary, the available evidence is currently insufficient to determine the role of this variant in disease. Therefore, it has been classified as a Variant of Uncertain Significance.

Mayo Clinic Laboratories, Mayo Clinic
Classification: Uncertain significance. Last evaluated: 2023-01-12. Review status: criteria provided, single submitter. Criteria: ACMG Guidelines, 2015. Collection method: clinical testing. Allele origin: germline. Observed: 1 variant allele. Not counted in ClinVar's aggregate classification.

Literature cited by the submitters: PubMed 21455645 (cited by 4 submitters).

NM_000540.3(RYR1):c.625G>A (p.Glu209Lys)

Gene: RYR1 (ryanodine receptor 1; plus strand). Cytogenetic location: 19q13.2.
Variant type: single nucleotide variant.
Coding change: c.625G>A on transcript NM_000540.3 (MANE Select); coding-DNA position 625, G replaced by A.
Protein change: p.Glu209Lys; replaces glutamic acid 209 with lysine.
Molecular consequence: missense variant.
Genome position (GRCh38, 1-based): chr19:38,444,671, G>A. VCF-style: chr19-38444671-G-A. GRCh37 (hg19) VCF-style: chr19-38935311-G-A.
Other names: NM_000540.2(RYR1):c.625G>A; p.Glu209Lys; c.625G>A, p.Glu209Lys (NM_001042723.2); short protein forms E209K.
Identifiers: ClinVar variation 478249 (VCV000478249.19), dbSNP rs771058055, ClinGen allele CA067959.
Genomic context (GRCh38, chr19:38,444,671, plus strand): 5'-CAGGTTGACGCTTCCTTCATGCAGACACTATGGAACATGAACCCCATCTGCTCCCGCTGC[G>A]AAGAGGGTGAGGGCCCCAGACCTCCCCCTAAATGGAGATCCCCCCAAAACAGACCCTTAA-3'
Protein context (NP_000531.2, residues 199-219): WNMNPICSRC[Glu209Lys]EGFVTGGHVL